The following is an entry in ClinVar:

NM_013266.4(CTNNA3):c.1618A>G (p.Ile540Val)

Gene: CTNNA3 (catenin alpha 3; minus strand). Cytogenetic location: 10q21.3.
Variant type: single nucleotide variant.
Coding change: c.1618A>G on transcript NM_013266.4 (MANE Select); coding-DNA position 1618, A replaced by G.
Protein change: p.Ile540Val; replaces isoleucine 540 with valine.
Molecular consequence: missense variant.
Genome position (GRCh38, 1-based): chr10:66,379,266, T>C on the plus strand (A>G on the coding strand, the complement: CTNNA3 is on the minus strand). VCF-style: chr10-66379266-T-C. GRCh37 (hg19) VCF-style: chr10-68139024-T-C.
Other names: c.1618A>G, p.Ile540Val (NM_001127384.3); short protein forms I540V.
Identifiers: ClinVar variation 3270127 (VCV003270127.3).

ClinVar aggregate classification (germline): Uncertain significance. Review status: criteria provided, multiple submitters, no conflicts (2 of 4 stars). 2 submissions from 2 submitters: Uncertain significance (2). Last evaluated 2024-08-27.

Conditions:
Arrhythmogenic right ventricular dysplasia 13. Also called: Arrhythmogenic right ventricular dysplasia, familial, 13; ARRHYTHMOGENIC RIGHT VENTRICULAR CARDIOMYOPATHY 13. Identifiers: MedGen C3810138, MONDO:0000908, OMIM 615616.

gnomAD v4.1: 31 of 1,614,140 alleles (0.0019%); highest among the groups gnomAD compares: Non-Finnish European, 0.0025%; no homozygotes.

Submissions (2):

Labcorp Genetics (formerly Invitae), Labcorp
Classification: Uncertain significance for Arrhythmogenic right ventricular dysplasia 13. Last evaluated: 2024-08-27. Review status: criteria provided, single submitter. Criteria: Invitae Variant Classification Sherloc (09022015). Collection method: clinical testing. Allele origin: germline.
Comment: This sequence change replaces isoleucine, which is neutral and non-polar, with valine, which is neutral and non-polar, at codon 540 of the CTNNA3 protein (p.Ile540Val). This variant is not present in population databases (gnomAD no frequency). This variant has not been reported in the literature in individuals affected with CTNNA3-related conditions. Invitae Evidence Modeling of protein sequence and biophysical properties (such as structural, functional, and spatial information, amino acid conservation, physicochemical variation, residue mobility, and thermodynamic stability) indicates that this missense variant is not expected to disrupt CTNNA3 protein function with a negative predictive value of 80%. In summary, the available evidence is currently insufficient to determine the role of this variant in disease. Therefore, it has been classified as a Variant of Uncertain Significance.

Ambry Genetics
Classification: Uncertain significance. Last evaluated: 2024-05-23. Review status: criteria provided, single submitter. Criteria: Ambry Variant Classification Scheme 2023. Collection method: clinical testing. Allele origin: germline.
Comment: The p.I540V variant (also known as c.1618A>G), located in coding exon 11 of the CTNNA3 gene, results from an A to G substitution at nucleotide position 1618. The isoleucine at codon 540 is replaced by valine, an amino acid with highly similar properties. This amino acid position is conserved. In addition, this alteration is predicted to be tolerated by in silico analysis. Based on the available evidence, the clinical significance of this variant remains unclear.